The following is an entry in ClinVar:

NM_001972.4(ELANE):c.597+5del

Gene: ELANE (elastase, neutrophil expressed; plus strand). Cytogenetic location: 19p13.3.
Variant type: Deletion.
Coding change: c.597+5del on transcript NM_001972.4 (MANE Select); 5 bases into the intron after coding-DNA position 597, one base deleted (G; older notation c.597+5delG).
Molecular consequence: intron variant.
Genome position (GRCh38, 1-based): chr19:855,799, G deleted. VCF-style (leftmost placement, unchanged base first): chr19-855798-CG-C. GRCh37 (hg19) VCF-style: chr19-855798-CG-C.
Identifiers: ClinVar variation 4785602 (VCV004785602.1).

ClinVar aggregate classification (germline): Pathogenic (1 of 4 stars; one submission).

Conditions:
Neutropenia, severe congenital, 1, autosomal dominant. Identifiers: MedGen C1859966, MONDO:0042490, OMIM 202700.
Cyclical neutropenia. Also called: Cyclic hematopoiesis; Cyclic Neutropenia. Identifiers: Orphanet 2686, MedGen C0221023, MONDO:0008090, OMIM 162800, HP:0040289. Disease mechanism: loss of function.

Submission:

Labcorp Genetics (formerly Invitae), Labcorp
Classification: Pathogenic for Neutropenia, severe congenital, 1, autosomal dominant; Cyclical neutropenia. Last evaluated: 2026-01-05. Review status: criteria provided, single submitter. Criteria: Invitae Variant Classification Sherloc (09022015). Collection method: clinical testing. Allele origin: germline.
Comment: This sequence change falls in intron 4 of the ELANE gene. It does not directly change the encoded amino acid sequence of the ELANE protein. It affects a nucleotide within the consensus splice site. This variant is not present in population databases (gnomAD no frequency). This variant has been observed in individual(s) with ELANE-related conditions (internal data). In at least one individual the variant was observed to be de novo. Variants that disrupt the consensus splice site are a relatively common cause of aberrant splicing (PMID: 17576681, 9536098). Algorithms developed to predict the effect of sequence changes on RNA splicing suggest that this variant may disrupt the consensus splice site. This variant disrupts the c.597+5 nucleotide in the ELANE gene. Other variant(s) that disrupt this nucleotide have been determined to be pathogenic (PMID: 10581030, 20049848, 23463630, 30040071). This suggests that this nucleotide is clinically significant, and that variants that disrupt this position are likely to be disease-causing. For these reasons, this variant has been classified as Pathogenic.

Literature cited by the submitters: PubMed 17576681; PubMed 9536098; PubMed 10581030; PubMed 20049848; PubMed 23463630; PubMed 30040071.